The following is an entry in ClinVar:

ClinVar aggregate classification (germline): Likely benign (1 of 4 stars; one submission).

gnomAD v4.1: 12 of 1,613,306 alleles (0.00074%); highest among the groups gnomAD compares: Admixed American, 0.0033%; no homozygotes.

Submission:

Mayo Clinic Laboratories, Mayo Clinic
Classification: Likely benign. Last evaluated: 2025-04-08. Review status: criteria provided, single submitter. Criteria: ACMG Guidelines, 2015. Collection method: clinical testing. Allele origin: germline. Observed: 1 variant allele.
Comment: BP4, BP7

NM_198576.4(AGRN):c.2562C>T (p.Ala854=)

Gene: AGRN (agrin; plus strand). Cytogenetic location: 1p36.33.
Variant type: single nucleotide variant.
Coding change: c.2562C>T on transcript NM_198576.4 (MANE Select); coding-DNA position 2562, C replaced by T.
Protein change: p.Ala854=; no amino-acid change (alanine 854 retained).
Molecular consequence: synonymous variant.
Genome position (GRCh38, 1-based): chr1:1,045,758, C>T. VCF-style: chr1-1045758-C-T. GRCh37 (hg19) VCF-style: chr1-981138-C-T.
Other names: p.Ala854=; c.2562C>T, p.Ala854= (NM_001305275.2); c.2247C>T, p.Ala749= (NM_001364727.2).
Identifiers: ClinVar variation 4684558 (VCV004684558.1).